The following is an entry in ClinVar:

NM_003501.3(ACOX3):c.1236G>A (p.Ser412=)

Gene: ACOX3 (acyl-CoA oxidase 3, pristanoyl; minus strand). Cytogenetic location: 4p16.1.
Variant type: single nucleotide variant.
Coding change: c.1236G>A on transcript NM_003501.3 (MANE Select); coding-DNA position 1236, G replaced by A.
Protein change: p.Ser412=; no amino-acid change (serine 412 retained).
Molecular consequence: synonymous variant.
Genome position (GRCh38, 1-based): chr4:8,392,397, C>T on the plus strand (G>A on the coding strand, the complement: ACOX3 is on the minus strand). VCF-style: chr4-8392397-C-T. GRCh37 (hg19) VCF-style: chr4-8394124-C-T.
Other names: c.1236G>A, p.Ser412= (NM_001101667.2, NM_001375783.1, NM_001375785.1 and 4 more transcripts); c.1164G>A, p.Ser388= (NM_001375784.1); c.951G>A, p.Ser317= (NM_001375789.1).
Identifiers: ClinVar variation 2654657 (VCV002654657.24), dbSNP rs151196972, ClinGen allele CA2851301.
Genomic context (GRCh38, chr4:8,392,397, plus strand): 5'-CAGATAGCCGTGTCCTCCACACGCCTCCCGGCATTCCTGAATTCCTTGCTGGGTGGTCCA[C>T]GAGGCCAGGGGCTTGCTGGCCGATGCCAGGGCGTGGATCTCACGTCCAAGCTCTGCCTTT-3'
Protein context (NP_003492.2, residues 402-422): ALASASKPLA[Ser412=]WTTQQGIQEC

ClinVar aggregate classification (germline): Likely benign (1 of 4 stars; one submission).

Allele frequency attached by ClinVar (database versions not stated): ESP Exome Variant Server 0.00008; ExAC 0.00039; 1000 Genomes Project 30x 0.00156; 1000 Genomes Project 0.00160.
gnomAD v4.1: 135 of 1,609,306 alleles (0.0084%); highest among the groups gnomAD compares: East Asian, 0.19%; no homozygotes.

Submission:

CeGaT Center for Human Genetics Tuebingen
Classification: Likely benign. Last evaluated: 2022-11-01. Review status: criteria provided, single submitter. Criteria: CeGaT Center For Human Genetics Tuebingen Variant Classification Criteria Version 2. Collection method: clinical testing. Allele origin: germline. Affected: yes. Observed: 1 variant allele.
Comment: ACOX3: BP4, BP7